The following is an entry in ClinVar:

ClinVar aggregate classification (germline): Uncertain significance (1 of 4 stars; one submission).

Conditions:
Early-infantile DEE. Also called: Ohtahara syndrome; Early infantile epileptic encephalopathy with suppression bursts; Early infantile epileptic encephalopathy. Identifiers: Orphanet 1934, MedGen C0393706, MONDO:0800491.

Submission:

Labcorp Genetics (formerly Invitae), Labcorp
Classification: Uncertain significance for Early-infantile DEE. Last evaluated: 2023-04-24. Review status: criteria provided, single submitter. Criteria: Invitae Variant Classification Sherloc (09022015). Collection method: clinical testing. Allele origin: germline.
Comment: In summary, the available evidence is currently insufficient to determine the role of this variant in disease. Therefore, it has been classified as a Variant of Uncertain Significance. Advanced modeling of protein sequence and biophysical properties (such as structural, functional, and spatial information, amino acid conservation, physicochemical variation, residue mobility, and thermodynamic stability) performed at Invitae indicates that this missense variant is expected to disrupt SCN1A protein function. This sequence change replaces serine, which is neutral and polar, with phenylalanine, which is neutral and non-polar, at codon 1978 of the SCN1A protein (p.Ser1978Phe). This variant is not present in population databases (gnomAD no frequency). This variant has not been reported in the literature in individuals affected with SCN1A-related conditions.

NM_001165963.4(SCN1A):c.5933C>T (p.Ser1978Phe)

Genes: SCN1A (sodium voltage-gated channel alpha subunit 1; minus strand), LOC102724058 (uncharacterized LOC102724058; plus strand). Cytogenetic location: 2q24.3.
Variant type: single nucleotide variant.
Coding change: c.5933C>T on transcript NM_001165963.4 (MANE Select); coding-DNA position 5933, C replaced by T.
Protein change: p.Ser1978Phe; replaces serine 1978 with phenylalanine.
Molecular consequence: missense variant. On other transcripts: non-coding transcript variant (1).
Genome position (GRCh38, 1-based): chr2:165,991,342, G>A on the plus strand (C>T on the coding strand, the complement: SCN1A is on the minus strand). VCF-style: chr2-165991342-G-A. GRCh37 (hg19) VCF-style: chr2-166847852-G-A.
Other names: c.3491C>T, p.Ser1164Phe (NM_001353961.2); c.5900C>T, p.Ser1967Phe (NM_006920.6, NM_001353949.2, NM_001353950.2 and 2 more transcripts); c.5897C>T, p.Ser1966Phe (NM_001353954.2, NM_001353955.2); c.5849C>T, p.Ser1950Phe (NM_001353957.2, NM_001353958.2, NM_001165964.3); c.5846C>T, p.Ser1949Phe (NM_001353960.2); c.5933C>T, p.Ser1978Phe (NM_001202435.3, NM_001353948.2); short protein forms S1949F, S1966F, S1967F, S1978F, S1164F, S1950F.
Identifiers: ClinVar variation 2858967 (VCV002858967.3), dbSNP rs2468323757, ClinGen allele CA349063150.